The following is an entry in ClinVar:

ClinVar aggregate classification (germline): Likely pathogenic (1 of 4 stars; one submission).

Conditions:
Focal segmental glomerulosclerosis 9 (FSGS9). Identifiers: Orphanet 656, MedGen C4015555, MONDO:0014539, OMIM 616220.
Ventriculomegaly-cystic kidney disease. Also called: Ventriculomegaly with cystic kidney disease. Identifiers: Orphanet 443988, MedGen C1857423, MONDO:0009063, OMIM 219730.

Submission:

Juno Genomics, Hangzhou Juno Genomics, Inc
Classification: Likely pathogenic for Ventriculomegaly-cystic kidney disease; Focal segmental glomerulosclerosis 9. Review status: criteria provided, single submitter. Criteria: ACMG Guidelines, 2015. Collection method: clinical testing. Allele origin: germline.
Comment: Null variant in a gene where loss of function (LOF) is a known mechanism of disease.;Absent from controls (or at extremely low frequency if recessive) in Genome Aggregation Database.

NM_173689.7(CRB2):c.2432_2436+2del

Gene: CRB2 (crumbs cell polarity complex component 2; plus strand). Cytogenetic location: 9q33.3.
Variant type: Deletion.
Coding change: c.2432_2436+2del on transcript NM_173689.7 (MANE Select); coding-DNA position 2432 through the canonical splice donor site of the intron after coding-DNA position 2436, 7 bases deleted (GCAGTGT; older notation c.2432_2436+2delGCAGTGT).
Molecular consequence: splice donor variant.
Genome position (GRCh38, 1-based): chr9:123,371,574-123,371,580, GCAGTGT deleted; deleting any 7 consecutive bases within chr9:123,371,571-123,371,580 gives the same sequence; the c. name uses the placement nearest the transcript's 3' end. VCF-style (leftmost placement, unchanged base first): chr9-123371570-ATGTGCAG-A. GRCh37 (hg19) VCF-style: chr9-126133849-ATGTGCAG-A.
Identifiers: ClinVar variation 5007385 (VCV005007385.2).